The following is an entry in ClinVar:

NM_001111067.4(ACVR1):c.862A>C (p.Met288Leu)

Gene: ACVR1 (activin A receptor type 1; minus strand). Cytogenetic location: 2q24.1.
Variant type: single nucleotide variant.
Coding change: c.862A>C on transcript NM_001111067.4 (MANE Select); coding-DNA position 862, A replaced by C.
Protein change: p.Met288Leu; replaces methionine 288 with leucine.
Molecular consequence: missense variant.
Genome position (GRCh38, 1-based): chr2:157,766,125, T>G on the plus strand (A>C on the coding strand, the complement: ACVR1 is on the minus strand). VCF-style: chr2-157766125-T-G. GRCh37 (hg19) VCF-style: chr2-158622637-T-G.
Other names: c.862A>C, p.Met288Leu (NM_001105.5, NM_001347663.1, NM_001347664.1 and 3 more transcripts); short protein forms M288L.
Identifiers: ClinVar variation 3676094 (VCV003676094.2).

ClinVar aggregate classification (germline): Uncertain significance (1 of 4 stars; one submission).

gnomAD v4.1: 3 of 1,614,146 alleles (0.00019%); highest among the groups gnomAD compares: Non-Finnish European, 0.00017%; no homozygotes.

Submission:

Labcorp Genetics (formerly Invitae), Labcorp
Classification: Uncertain significance. Last evaluated: 2025-03-31. Review status: criteria provided, single submitter. Criteria: Invitae Variant Classification Sherloc (09022015). Collection method: clinical testing. Allele origin: germline.
Comment: This sequence change replaces methionine, which is neutral and non-polar, with leucine, which is neutral and non-polar, at codon 288 of the ACVR1 protein (p.Met288Leu). This variant is present in population databases (rs762684873, gnomAD 0.0009%). This variant has not been reported in the literature in individuals affected with ACVR1-related conditions. An algorithm developed to predict the effect of missense changes on protein structure and function (PolyPhen-2) suggests that this variant is likely to be tolerated. In summary, the available evidence is currently insufficient to determine the role of this variant in disease. Therefore, it has been classified as a Variant of Uncertain Significance.